The following is an entry in ClinVar:

NM_003906.5(MCM3AP):c.5256G>A (p.Lys1752=)

Genes: MCM3AP (minichromosome maintenance complex component 3 associated protein; minus strand), MCM3AP-AS1 (MCM3AP antisense RNA 1; plus strand). Cytogenetic location: 21q22.3.
Variant type: single nucleotide variant.
Coding change: c.5256G>A on transcript NM_003906.5 (MANE Select); coding-DNA position 5256, G replaced by A.
Protein change: p.Lys1752=; no amino-acid change (lysine 1752 retained).
Molecular consequence: synonymous variant.
Genome position (GRCh38, 1-based): chr21:46,243,505, C>T on the plus strand (G>A on the coding strand, the complement: MCM3AP is on the minus strand). VCF-style: chr21-46243505-C-T. GRCh37 (hg19) VCF-style: chr21-47663419-C-T.
Identifiers: ClinVar variation 2788360 (VCV002788360.11), dbSNP rs1300508555, ClinGen allele CA512735860.
Genomic context (GRCh38, chr21:46,243,505, plus strand): 5'-TTGCATCAAGCTCTAATTACCTGATGTAACAGGAAGCCGGGGGGGCGTCCAGTCTCTCAG[C>T]TTGTGGTTGATACACAAGGCGATAAGATCATCCCATGGGATCTCCATGACCGAGGGGCCT-3'
Protein context (NP_003897.2, residues 1742-1762): DDLIALCINH[Lys1752=]LRDWTPPRLP

ClinVar aggregate classification (germline): Likely benign. Review status: criteria provided, multiple submitters, no conflicts (2 of 4 stars). 2 submissions from 2 submitters: Likely benign (2). Last evaluated 2025-08-01.

Allele frequency attached by ClinVar (database versions not stated): TOPMed below 0.00001; gnomAD 0.00001; gnomAD exomes 0.00001.
gnomAD v4.1: 15 of 1,613,832 alleles (0.00093%); highest among the groups gnomAD compares: Non-Finnish European, 0.001%; no homozygotes.

Submissions (2):

CeGaT Center for Human Genetics Tuebingen
Classification: Likely benign. Last evaluated: 2025-08-01. Review status: criteria provided, single submitter. Criteria: CeGaT Center For Human Genetics Tuebingen Variant Classification Criteria Version 2. Collection method: clinical testing. Allele origin: germline. Affected: yes. Observed: 1 variant allele.
Comment: MCM3AP: BP4, BP7

Labcorp Genetics (formerly Invitae), Labcorp
Classification: Likely benign. Last evaluated: 2022-12-04. Review status: criteria provided, single submitter. Criteria: Invitae Variant Classification Sherloc (09022015). Collection method: clinical testing. Allele origin: germline.